The following is an entry in ClinVar:

NM_017777.4(MKS1):c.262-162A>G

Gene: MKS1 (MKS transition zone complex subunit 1; minus strand). Cytogenetic location: 17q22.
Variant type: single nucleotide variant.
Coding change: c.262-162A>G on transcript NM_017777.4 (MANE Select); 162 bases into the intron before coding-DNA position 262, A replaced by G.
Molecular consequence: intron variant.
Genome position (GRCh38, 1-based): chr17:58,216,405, T>C on the plus strand (A>G on the coding strand, the complement: MKS1 is on the minus strand). VCF-style: chr17-58216405-T-C. GRCh37 (hg19) VCF-style: chr17-56293766-T-C.
Other names: c.-250-162A>G (NM_001321268.2); c.262-162A>G (NM_001330397.2, NM_001321269.2, NM_001411113.1).
Identifiers: ClinVar variation 4984808 (VCV004984808.1).
Genomic context (GRCh38, chr17:58,216,405, plus strand): 5'-TATCTGACATGTTTTCATAACCAACACTAAACTAATGAATGGCAGGGGAACCAAGAACAT[T>C]AGAGCTAAAAGGAACCAGACTGATAGTCTAATCCAAGTCTGCTATTACAGATGGCATATA-3'

ClinVar aggregate classification (germline): Likely benign (1 of 4 stars; one submission).

Conditions:
MKS1-related disorder. Also called: MKS1-related disorders; MKS1-related condition. Identifiers: MedGen CN239382.

Submission:

PreventionGenetics, part of Exact Sciences
Classification: Likely benign for MKS1-related condition. Last evaluated: 2026-03-25. Review status: criteria provided, single submitter. Criteria: ACMG Guidelines, 2015. Collection method: clinical testing. Allele origin: germline.
Comment: This variant is classified as likely benign based on ACMG/AMP sequence variant interpretation guidelines (Richards et al. 2015 PMID: 25741868, with internal and published modifications).